The following is an entry in ClinVar:

ClinVar aggregate classification (germline): Uncertain significance (1 of 4 stars; one submission).

Conditions:
Early-infantile DEE. Also called: Ohtahara syndrome; Early infantile epileptic encephalopathy; Early infantile epileptic encephalopathy with suppression bursts. Identifiers: Orphanet 1934, MedGen C0393706, MONDO:0800491.

gnomAD v4.1: 1 of 1,613,990 alleles (0.000062%); highest among the groups gnomAD compares: Non-Finnish European, 0.000085%; no homozygotes.

Submission:

Labcorp Genetics (formerly Invitae), Labcorp
Classification: Uncertain significance for Early-infantile DEE. Last evaluated: 2021-03-26. Review status: criteria provided, single submitter. Criteria: Invitae Variant Classification Sherloc (09022015). Collection method: clinical testing. Allele origin: germline.
Comment: This variant has not been reported in the literature in individuals with CACNA2D2-related conditions. This sequence change replaces aspartic acid with asparagine at codon 122 of the CACNA2D2 protein (p.Asp122Asn). The aspartic acid residue is moderately conserved and there is a small physicochemical difference between aspartic acid and asparagine. This variant is not present in population databases (ExAC no frequency). Algorithms developed to predict the effect of missense changes on protein structure and function are either unavailable or do not agree on the potential impact of this missense change (SIFT: "Deleterious"; PolyPhen-2: "Possibly Damaging"; Align-GVGD: "Class C0"). In summary, the available evidence is currently insufficient to determine the role of this variant in disease. Therefore, it has been classified as a Variant of Uncertain Significance.

NM_006030.4(CACNA2D2):c.364G>A (p.Asp122Asn)

Gene: CACNA2D2 (calcium voltage-gated channel auxiliary subunit alpha2delta 2; minus strand). Cytogenetic location: 3p21.31.
Variant type: single nucleotide variant.
Coding change: c.364G>A on transcript NM_006030.4 (MANE Select); coding-DNA position 364, G replaced by A.
Protein change: p.Asp122Asn; replaces aspartic acid 122 with asparagine.
Molecular consequence: missense variant.
Genome position (GRCh38, 1-based): chr3:50,434,354, C>T on the plus strand (G>A on the coding strand, the complement: CACNA2D2 is on the minus strand). VCF-style: chr3-50434354-C-T. GRCh37 (hg19) VCF-style: chr3-50471785-C-T.
Other names: c.364G>A, p.Asp122Asn (NM_001005505.3, NM_001174051.3); c.157G>A, p.Asp53Asn (NM_001291101.1); short protein forms D122N, D53N.
Identifiers: ClinVar variation 1375116 (VCV001375116.9), dbSNP rs552824990, ClinGen allele CA353001141.